The following is an entry in ClinVar:

ClinVar aggregate classification (germline): Uncertain significance. Review status: criteria provided, multiple submitters, no conflicts (2 of 4 stars). 2 submissions from 2 submitters: Uncertain significance (2). Last evaluated 2023-02-01.

Conditions:
Hereditary cancer-predisposing syndrome. Also called: Neoplastic Syndromes, Hereditary; Hereditary Cancer Syndrome; Hereditary neoplastic syndrome; Tumor predisposition. Identifiers: Orphanet 140162, MedGen C0027672, MeSH D009386, MONDO:0015356.
Ataxia-telangiectasia syndrome (AT). Also called: ATAXIA-TELANGIECTASIA, COMPLEMENTATION GROUP A; ATAXIA-TELANGIECTASIA, FRESNO VARIANT; Ataxia-telangiectasia, complementation group E; Ataxia telangiectasia (A-T); LOUIS-BAR SYNDROME; Cerebello-oculocutaneous telangiectasia. Identifiers: Orphanet 100, MedGen C0004135, MONDO:0008840, OMIM 208900.

Submissions (2):

Labcorp Genetics (formerly Invitae), Labcorp
Classification: Uncertain significance for Ataxia-telangiectasia syndrome. Last evaluated: 2023-02-01. Review status: criteria provided, single submitter. Criteria: Invitae Variant Classification Sherloc (09022015). Collection method: clinical testing. Allele origin: germline.
Comment: Algorithms developed to predict the effect of missense changes on protein structure and function (SIFT, PolyPhen-2, Align-GVGD) all suggest that this variant is likely to be tolerated. This sequence change replaces alanine, which is neutral and non-polar, with glutamic acid, which is acidic and polar, at codon 1355 of the ATM protein (p.Ala1355Glu). This variant is not present in population databases (gnomAD no frequency). This variant has not been reported in the literature in individuals affected with ATM-related conditions. ClinVar contains an entry for this variant (Variation ID: 824556). In summary, the available evidence is currently insufficient to determine the role of this variant in disease. Therefore, it has been classified as a Variant of Uncertain Significance.

Ambry Genetics
Classification: Uncertain significance for Hereditary cancer-predisposing syndrome. Last evaluated: 2022-11-28. Review status: criteria provided, single submitter. Criteria: Ambry Variant Classification Scheme 2023. Collection method: clinical testing. Allele origin: germline.
Comment: The p.A1355E variant (also known as c.4064C>A), located in coding exon 26 of the ATM gene, results from a C to A substitution at nucleotide position 4064. The alanine at codon 1355 is replaced by glutamic acid, an amino acid with dissimilar properties. This amino acid position is not well conserved in available vertebrate species. In addition, this alteration is predicted to be tolerated by in silico analysis. Since supporting evidence is limited at this time, the clinical significance of this alteration remains unclear.

NM_000051.4(ATM):c.4064C>A (p.Ala1355Glu)

Gene: ATM (ATM serine/threonine kinase; plus strand). Cytogenetic location: 11q22.3.
Variant type: single nucleotide variant.
Coding change: c.4064C>A on transcript NM_000051.4 (MANE Select); coding-DNA position 4064, C replaced by A.
Protein change: p.Ala1355Glu; replaces alanine 1355 with glutamic acid.
Molecular consequence: missense variant.
Genome position (GRCh38, 1-based): chr11:108,287,670, C>A. VCF-style: chr11-108287670-C-A. GRCh37 (hg19) VCF-style: chr11-108158397-C-A.
Other names: c.4064C>A, p.Ala1355Glu (NM_001351834.2); short protein forms A1355E.
Identifiers: ClinVar variation 824556 (VCV000824556.8), dbSNP rs1591655990, ClinGen allele CA382528087.
Genomic context (GRCh38, chr11:108,287,670, plus strand): 5'-TATTCATTAGTAATTTACCAGAGATTGTGGTGGAGTTATTGATGACGTTACATGAGCCAG[C>A]AAATTCTAGTGCCAGTCAGAGCACTGACCTCTGTGACTTTTCAGGGTATGTACATTTTAA-3'
Protein context (NP_000042.3, residues 1345-1365): VELLMTLHEP[Ala1355Glu]NSSASQSTDL